The following is an entry in ClinVar:

ClinVar aggregate classification (germline): Benign/Likely benign. Review status: criteria provided, multiple submitters, no conflicts (2 of 4 stars). 4 submissions from 4 submitters: Benign (2); Likely benign (1). 1 of the submissions does not count toward it. Last evaluated 2026-02-04.

Allele frequency attached by ClinVar (database versions not stated): ESP Exome Variant Server 0.21390; TOPMed 0.23511; 1000 Genomes Project 30x 0.33370; 1000 Genomes Project 0.34085.
gnomAD v4.1: 349,707 of 1,613,216 alleles (22%); highest among the groups gnomAD compares: South Asian, 41%; 42,486 homozygotes.

Submissions (4):

Labcorp Genetics (formerly Invitae), Labcorp
Classification: Benign. Last evaluated: 2026-02-04. Review status: criteria provided, single submitter. Criteria: Invitae Variant Classification Sherloc (09022015). Collection method: clinical testing. Allele origin: germline.

Blueprint Genetics
Classification: Likely benign. Last evaluated: 2024-11-27. Review status: criteria provided, single submitter. Criteria: ACMG Guidelines, 2015. Collection method: clinical testing. Allele origin: germline.

GeneDx
Classification: Benign. Last evaluated: 2018-11-12. Review status: criteria provided, single submitter. Criteria: GeneDx Variant Classification Process June 2021. Collection method: clinical testing. Allele origin: germline. Affected: yes.

Genetic Services Laboratory, University of Chicago
Classification: Likely benign for AllHighlyPenetrant. Review status: no assertion criteria provided. Collection method: clinical testing. Allele origin: germline. Inheritance: Autosomal recessive inheritance. Not counted in ClinVar's aggregate classification.
Comment: Likely benign based on allele frequency in 1000 Genomes Project or ESP global frequency and its presence in a patient with a rare or unrelated disease phenotype. NOT Sanger confirmed.

NM_173560.4(RFX6):c.1782C>T (p.His594=)

Genes: RFX6 (regulatory factor X6; plus strand), LOC126859771 (BRD4-independent group 4 enhancer GRCh37_chr6:117246147-117247346; plus strand). Cytogenetic location: 6q22.1.
Variant type: single nucleotide variant.
Coding change: c.1782C>T on transcript NM_173560.4 (MANE Select); coding-DNA position 1782, C replaced by T.
Protein change: p.His594=; no amino-acid change (histidine 594 retained).
Molecular consequence: synonymous variant.
Genome position (GRCh38, 1-based): chr6:116,925,556, C>T. VCF-style: chr6-116925556-C-T. GRCh37 (hg19) VCF-style: chr6-117246719-C-T.
Identifiers: ClinVar variation 130152 (VCV000130152.18), dbSNP rs4946206, ClinGen allele CA154960.
Genomic context (GRCh38, chr6:116,925,556, plus strand): 5'-TCTGGCCAACCGTAATAAAGGGAGCATGGTTTCCAGCGACGCTGTGAAGAATGAAAGCCA[C>T]GTGGAGACAACCTATCTCCCTCTGCCATCCAGTCAACCTGGAGGCCTAGGCCCTGCTCTG-3'
Protein context (NP_775831.2, residues 584-604): VSSDAVKNES[His594=]VETTYLPLPS